The following is an entry in ClinVar:

ClinVar aggregate classification (germline): Conflicting classifications of pathogenicity. Review status: criteria provided, conflicting classifications (1 of 4 stars). 3 submissions from 3 submitters: Uncertain significance (2); Benign (1). Last evaluated 2025-12-02.

Conditions:
Inborn genetic diseases. Identifiers: MedGen C0950123, MeSH D030342.

Allele frequency attached by ClinVar (database versions not stated): TOPMed 0.00004; gnomAD exomes 0.00010 and 0.00017; 1000 Genomes Project 30x 0.00031; ExAC 0.00033; 1000 Genomes Project 0.00040.
gnomAD v4.1: 151 of 1,536,132 alleles (0.0098%); highest among the groups gnomAD compares: South Asian, 0.15%; 1 homozygote.

Submissions (3):

Ambry Genetics
Classification: Uncertain significance for Inborn genetic diseases. Last evaluated: 2025-12-02. Review status: criteria provided, single submitter. Criteria: Ambry Variant Classification Scheme 2023. Collection method: clinical testing. Allele origin: germline.

GeneDx
Classification: Uncertain significance. Last evaluated: 2024-11-01. Review status: criteria provided, single submitter. Criteria: GeneDx Variant Classification Process June 2021. Collection method: clinical testing. Allele origin: germline. Affected: yes.
Comment: In silico analysis indicates that this missense variant does not alter protein structure/function; Has not been previously published as pathogenic or benign to our knowledge

Labcorp Genetics (formerly Invitae), Labcorp
Classification: Benign. Last evaluated: 2022-08-16. Review status: criteria provided, single submitter. Criteria: Invitae Variant Classification Sherloc (09022015). Collection method: clinical testing. Allele origin: germline.

NM_183357.3(ADCY5):c.596C>T (p.Pro199Leu)

Gene: ADCY5 (adenylate cyclase 5; minus strand). Cytogenetic location: 3q21.1.
Variant type: single nucleotide variant.
Coding change: c.596C>T on transcript NM_183357.3 (MANE Select); coding-DNA position 596, C replaced by T.
Protein change: p.Pro199Leu; replaces proline 199 with leucine.
Molecular consequence: missense variant.
Genome position (GRCh38, 1-based): chr3:123,447,950, G>A on the plus strand (C>T on the coding strand, the complement: ADCY5 is on the minus strand). VCF-style: chr3-123447950-G-A. GRCh37 (hg19) VCF-style: chr3-123166797-G-A.
Other names: c.596C>T, p.Pro199Leu (NM_001378259.1); c.596C>T (NM_183357.2); short protein forms P199L.
Identifiers: ClinVar variation 1631789 (VCV001631789.10), dbSNP rs558200846, ClinGen allele CA2577678.
Genomic context (GRCh38, chr3:123,447,950, plus strand): 5'-TTGGAGCGGAATATCTGCAGCAACGCCAGGCAGCAGGCGCCCAGGGACAGCACCGCGCCG[G>A]GCCCCGCGCCCGAGCCCGAGTCCGCCGAGCTGCCGCCATCCCCGGACCCCTCGCCGCCCT-3'
Protein context (NP_899200.1, residues 189-209): SSADSGSGAG[Pro199Leu]GAVLSLGACC